The following is an entry in ClinVar:

NM_015160.3(PMPCA):c.1390G>A (p.Glu464Lys)

Gene: PMPCA (peptidase, mitochondrial processing subunit alpha; plus strand). Cytogenetic location: 9q34.3.
Variant type: single nucleotide variant.
Coding change: c.1390G>A on transcript NM_015160.3 (MANE Select); coding-DNA position 1390, G replaced by A.
Protein change: p.Glu464Lys; replaces glutamic acid 464 with lysine.
Molecular consequence: missense variant.
Genome position (GRCh38, 1-based): chr9:136,421,958, G>A. VCF-style: chr9-136421958-G-A. GRCh37 (hg19) VCF-style: chr9-139316410-G-A.
Other names: c.997G>A, p.Glu333Lys (NM_001282944.2); c.1090G>A, p.Glu364Lys (NM_001282946.2); short protein forms E464K, E333K, E364K.
Identifiers: ClinVar variation 2396090 (VCV002396090.7), dbSNP rs774729360, ClinGen allele CA5336467.
Genomic context (GRCh38, chr9:136,421,958, plus strand): 5'-GTGATCTTCGAGGATGTGGGGAGGCAGGTGCTGGCCACTCGCTCCAGAAAGCTGCCGCAC[G>A]AGCTGTGCACGCTCATCCGTGAGTACCGCAGGGGTAGTGAGGGGCTGCCGCAGGCCTCGG-3'
Protein context (NP_055975.1, residues 454-474): LATRSRKLPH[Glu464Lys]LCTLIRNVKP

ClinVar aggregate classification (germline): Uncertain significance. Review status: criteria provided, multiple submitters, no conflicts (2 of 4 stars). 4 submissions from 4 submitters: Uncertain significance (4). Last evaluated 2026-05-01.

Conditions:
Inborn genetic diseases. Identifiers: MedGen C0950123, MeSH D030342.

Allele frequency attached by ClinVar (database versions not stated): gnomAD exomes 0.00002; gnomAD 0.00003; TOPMed 0.00005; ExAC 0.00007.

Submissions (4):

CeGaT Center for Human Genetics Tuebingen
Classification: Uncertain significance. Last evaluated: 2026-05-01. Review status: criteria provided, single submitter. Criteria: CeGaT Center For Human Genetics Tuebingen Variant Classification Criteria Version 2. Collection method: clinical testing. Allele origin: germline. Affected: yes. Observed: 1 variant allele.
Comment: PMPCA: PM2

Labcorp Genetics (formerly Invitae), Labcorp
Classification: Uncertain significance. Last evaluated: 2025-12-20. Review status: criteria provided, single submitter. Criteria: Invitae Variant Classification Sherloc (09022015). Collection method: clinical testing. Allele origin: germline.
Comment: This sequence change replaces glutamic acid, which is acidic and polar, with lysine, which is basic and polar, at codon 464 of the PMPCA protein (p.Glu464Lys). This variant is present in population databases (rs774729360, gnomAD 0.08%). This variant has not been reported in the literature in individuals affected with PMPCA-related conditions. ClinVar contains an entry for this variant (Variation ID: 2396090). Invitae Evidence Modeling of protein sequence and biophysical properties (such as structural, functional, and spatial information, amino acid conservation, physicochemical variation, residue mobility, and thermodynamic stability) indicates that this missense variant is not expected to disrupt PMPCA protein function with a negative predictive value of 80%. In summary, the available evidence is currently insufficient to determine the role of this variant in disease. Therefore, it has been classified as a Variant of Uncertain Significance.

Ambry Genetics
Classification: Uncertain significance for Inborn genetic diseases. Last evaluated: 2025-08-27. Review status: criteria provided, single submitter. Criteria: Ambry Variant Classification Scheme 2023. Collection method: clinical testing. Allele origin: germline.

Blueprint Genetics
Classification: Uncertain significance. Last evaluated: 2024-07-16. Review status: criteria provided, single submitter. Criteria: ACMG Guidelines, 2015. Collection method: clinical testing. Allele origin: germline.